The following is an entry in ClinVar:

ClinVar aggregate classification (germline): Uncertain significance (1 of 4 stars; one submission).

Conditions:
Tuberous sclerosis 1 (TSC1). Identifiers: Orphanet 805, MedGen C1854465, MONDO:0008612, OMIM 191100.

Submission:

Labcorp Genetics (formerly Invitae), Labcorp
Classification: Uncertain significance for Tuberous sclerosis 1. Last evaluated: 2019-10-22. Review status: criteria provided, single submitter. Criteria: Invitae Variant Classification Sherloc (09022015). Collection method: clinical testing. Allele origin: germline.
Comment: This sequence change replaces glutamine with histidine at codon 654 of the TSC1 protein (p.Gln654His). The glutamine residue is moderately conserved and there is a small physicochemical difference between glutamine and histidine. This variant is not present in population databases (ExAC no frequency). This variant has not been reported in the literature in individuals with TSC1-related conditions. Algorithms developed to predict the effect of missense changes on protein structure and function are either unavailable or do not agree on the potential impact of this missense change (SIFT: "Deleterious"; PolyPhen-2: "Possibly Damaging"; Align-GVGD: "Class C0"). In summary, the available evidence is currently insufficient to determine the role of this variant in disease. Therefore, it has been classified as a Variant of Uncertain Significance.

NM_000368.5(TSC1):c.1962G>C (p.Gln654His)

Gene: TSC1 (TSC complex subunit 1; minus strand). Cytogenetic location: 9q34.13.
Variant type: single nucleotide variant.
Coding change: c.1962G>C on transcript NM_000368.5 (MANE Select); coding-DNA position 1962, G replaced by C.
Protein change: p.Gln654His; replaces glutamine 654 with histidine.
Molecular consequence: missense variant.
Genome position (GRCh38, 1-based): chr9:132,905,616, C>G on the plus strand (G>C on the coding strand, the complement: TSC1 is on the minus strand). VCF-style: chr9-132905616-C-G. GRCh37 (hg19) VCF-style: chr9-135781003-C-G.
Other names: c.1959G>C, p.Gln653His (NM_001162426.2); c.1809G>C, p.Gln603His (NM_001162427.2); c.1599G>C, p.Gln533His (NM_001362177.2); short protein forms Q653H, Q603H, Q533H, Q654H.
Identifiers: ClinVar variation 965996 (VCV000965996.9), dbSNP rs1845607280, ClinGen allele CA375362380.